The following is an entry in ClinVar:

NM_017636.4(TRPM4):c.3209A>T (p.His1070Leu)

Gene: TRPM4 (transient receptor potential cation channel subfamily M member 4; plus strand). Cytogenetic location: 19q13.33.
Variant type: single nucleotide variant.
Coding change: c.3209A>T on transcript NM_017636.4 (MANE Select); coding-DNA position 3209, A replaced by T.
Protein change: p.His1070Leu; replaces histidine 1070 with leucine.
Molecular consequence: missense variant.
Genome position (GRCh38, 1-based): chr19:49,210,286, A>T. VCF-style: chr19-49210286-A-T. GRCh37 (hg19) VCF-style: chr19-49713543-A-T.
Other names: c.2774A>T, p.His925Leu (NM_001195227.2); c.2864A>T, p.His955Leu (NM_001321281.2); c.1601A>T, p.His534Leu (NM_001321282.2); c.2687A>T, p.His896Leu (NM_001321283.2); c.2147A>T, p.His716Leu (NM_001321285.2); short protein forms H1070L, H716L, H955L, H534L, H896L, H925L.
Identifiers: ClinVar variation 839576 (VCV000839576.9), dbSNP rs1969299649, ClinGen allele CA406771821.

ClinVar aggregate classification (germline): Uncertain significance (1 of 4 stars; one submission).

Conditions:
Progressive familial heart block type IB (PFHB1B). Identifiers: Orphanet 871, MedGen C1970298, MONDO:0011474, OMIM 604559.

Submission:

Labcorp Genetics (formerly Invitae), Labcorp
Classification: Uncertain significance for Progressive familial heart block type IB. Last evaluated: 2025-10-27. Review status: criteria provided, single submitter. Criteria: Invitae Variant Classification Sherloc (09022015). Collection method: clinical testing. Allele origin: germline.
Comment: This sequence change replaces histidine, which is basic and polar, with leucine, which is neutral and non-polar, at codon 1070 of the TRPM4 protein (p.His1070Leu). This variant is not present in population databases (gnomAD no frequency). This variant has not been reported in the literature in individuals affected with TRPM4-related conditions. ClinVar contains an entry for this variant (Variation ID: 839576). An algorithm developed to predict the effect of missense changes on protein structure and function (PolyPhen-2) suggests that this variant is likely to be disruptive. In summary, the available evidence is currently insufficient to determine the role of this variant in disease. Therefore, it has been classified as a Variant of Uncertain Significance.